The following is an entry in ClinVar:

NM_001110556.2(FLNA):c.4182C>T (p.Gly1394=)

Gene: FLNA (filamin A; minus strand). Cytogenetic location: Xq28.
Variant type: single nucleotide variant.
Coding change: c.4182C>T on transcript NM_001110556.2 (MANE Select); coding-DNA position 4182, C replaced by T.
Protein change: p.Gly1394=; no amino-acid change (glycine 1394 retained).
Molecular consequence: synonymous variant.
Genome position (GRCh38, 1-based): chrX:154,359,367, G>A on the plus strand (C>T on the coding strand, the complement: FLNA is on the minus strand). VCF-style: chrX-154359367-G-A. GRCh37 (hg19) VCF-style: chrX-153587735-G-A.
Other names: c.4182C>T, p.Gly1394= (NM_001456.4).
Identifiers: ClinVar variation 510923 (VCV000510923.1), dbSNP rs1557177473, ClinGen allele CA519707484.
Genomic context (GRCh38, chrX:154,359,367, plus strand): 5'-GTACTCGACCGAGCAGCTGCCGTCCTTGTTATCCATGCAGGACATCTTGGCCTCGGAGGG[G>A]CCCTCTACAGCCAGGCCCAGGCCGCCCGTGCCAGCTCCCCTGGTCCAAACAGACAGCCGG-3'
Protein context (NP_001104026.1, residues 1384-1404): GTGGLGLAVE[Gly1394=]PSEAKMSCMD

ClinVar aggregate classification (germline): Likely benign (1 of 4 stars; one submission).

Submission:

GeneDx
Classification: Likely benign. Last evaluated: 2017-07-18. Review status: criteria provided, single submitter. Criteria: GeneDx Variant Classification (06012015). Collection method: clinical testing. Allele origin: germline. Affected: yes.
Comment: This variant is considered likely benign or benign based on one or more of the following criteria: it is a conservative change, it occurs at a poorly conserved position in the protein, it is predicted to be benign by multiple in silico algorithms, and/or has population frequency not consistent with disease.